The following is an entry in ClinVar:

ClinVar aggregate classification (germline): Uncertain significance (1 of 4 stars; one submission).

Conditions:
Hereditary pancreatitis (PCTT). Also called: Hereditary chronic pancreatitis; PRSS1-Related Hereditary Pancreatitis. Identifiers: Orphanet 676, MedGen C0238339, MONDO:0008185, OMIM 167800.

Submission:

Ambry Genetics
Classification: Uncertain significance for Hereditary pancreatitis. Last evaluated: 2024-04-17. Review status: criteria provided, single submitter. Criteria: Ambry Variant Classification Scheme 2023. Collection method: clinical testing. Allele origin: germline.
Comment: The p.I262F variant (also known as c.784A>T), located in coding exon 7 of the CTRC gene, results from an A to T substitution at nucleotide position 784. The isoleucine at codon 262 is replaced by phenylalanine, an amino acid with highly similar properties. This amino acid position is conserved. In addition, this alteration is predicted to be deleterious by in silico analysis. Based on the available evidence, the clinical significance of this variant remains unclear.

NM_007272.3(CTRC):c.784A>T (p.Ile262Phe)

Gene: CTRC (chymotrypsin C; plus strand). Cytogenetic location: 1p36.21.
Variant type: single nucleotide variant.
Coding change: c.784A>T on transcript NM_007272.3 (MANE Select); coding-DNA position 784, A replaced by T.
Protein change: p.Ile262Phe; replaces isoleucine 262 with phenylalanine.
Molecular consequence: missense variant.
Genome position (GRCh38, 1-based): chr1:15,445,741, A>T. VCF-style: chr1-15445741-A-T. GRCh37 (hg19) VCF-style: chr1-15772236-A-T.
Other names: short protein forms I262F.
Identifiers: ClinVar variation 3270186 (VCV003270186.1).